The following is an entry in ClinVar:

ClinVar aggregate classification (germline): Uncertain significance (1 of 4 stars; one submission).

Conditions:
Hereditary spastic paraplegia 73. Also called: Spastic paraplegia 73, autosomal dominant. Identifiers: Orphanet 444099, MedGen C5568981, MONDO:0014568, OMIM 616282.

Submission:

Labcorp Genetics (formerly Invitae), Labcorp
Classification: Uncertain significance for Hereditary spastic paraplegia 73. Last evaluated: 2023-03-31. Review status: criteria provided, single submitter. Criteria: Invitae Variant Classification Sherloc (09022015). Collection method: clinical testing. Allele origin: unknown.
Comment: In summary, the available evidence is currently insufficient to determine the role of this variant in disease. Therefore, it has been classified as a Variant of Uncertain Significance. Experimental studies and prediction algorithms are not available or were not evaluated, and the functional significance of this variant is currently unknown. This variant has not been reported in the literature in individuals affected with CPT1C-related conditions. This variant results in a copy number gain of the genomic region encompassing exon(s) 3 of the CPT1C gene. This region includes the initiator codon of the gene. This copy number gain extends beyond the assayed region for this gene and therefore may encompass additional genes. As the precise location of this event is unknown, it may be in tandem or it may be located elsewhere in the genome.

NC_000019.9:g.(?_50195510)_(50195670_?)dup

Gene: CPT1C (carnitine palmitoyltransferase 1C; plus strand). Cytogenetic location: 19q13.33.
Variant type: Duplication.
Identifiers: ClinVar variation 3248493 (VCV003248493.1).